The following is an entry in ClinVar:

NM_001165963.4(SCN1A):c.4415T>C (p.Phe1472Ser)

Genes: SCN1A (sodium voltage-gated channel alpha subunit 1; minus strand), LOC102724058 (uncharacterized LOC102724058; plus strand). Cytogenetic location: 2q24.3.
Variant type: single nucleotide variant.
Coding change: c.4415T>C on transcript NM_001165963.4 (MANE Select); coding-DNA position 4415, T replaced by C.
Protein change: p.Phe1472Ser; replaces phenylalanine 1472 with serine.
Molecular consequence: missense variant. On other transcripts: non-coding transcript variant (1).
Genome position (GRCh38, 1-based): chr2:165,998,099, A>G on the plus strand (T>C on the coding strand, the complement: SCN1A is on the minus strand). VCF-style: chr2-165998099-A-G. GRCh37 (hg19) VCF-style: chr2-166854609-A-G.
Other names: c.4331T>C, p.Phe1444Ser (NM_001165964.3, NM_001353957.2, NM_001353958.2); c.4415T>C, p.Phe1472Ser (NM_001202435.3, NM_001353948.2); c.4382T>C, p.Phe1461Ser (NM_001353949.2, NM_001353950.2, NM_001353951.2 and 2 more transcripts); c.4379T>C, p.Phe1460Ser (NM_001353954.2, NM_001353955.2); c.4328T>C, p.Phe1443Ser (NM_001353960.2); c.1973T>C, p.Phe658Ser (NM_001353961.2); short protein forms F1443S, F658S, F1461S, F1444S, F1460S, F1472S.
Identifiers: ClinVar variation 4747042 (VCV004747042.1).

ClinVar aggregate classification (germline): Pathogenic (1 of 4 stars; one submission).

Conditions:
Early-infantile DEE. Also called: Ohtahara syndrome; Early infantile epileptic encephalopathy with suppression bursts; Early infantile epileptic encephalopathy. Identifiers: Orphanet 1934, MedGen C0393706, MONDO:0800491.

Submission:

Labcorp Genetics (formerly Invitae), Labcorp
Classification: Pathogenic for Early-infantile DEE. Last evaluated: 2025-04-02. Review status: criteria provided, single submitter. Criteria: Invitae Variant Classification Sherloc (09022015). Collection method: clinical testing. Allele origin: germline.
Comment: This sequence change replaces phenylalanine, which is neutral and non-polar, with serine, which is neutral and polar, at codon 1472 of the SCN1A protein (p.Phe1472Ser). This variant is not present in population databases (gnomAD no frequency). This missense change has been observed in individual(s) with borderline severe myoclonic epilepsy in infancy and/or Dravet syndrome (PMID: 23195492, 35074891). Invitae Evidence Modeling of protein sequence and biophysical properties (such as structural, functional, and spatial information, amino acid conservation, physicochemical variation, residue mobility, and thermodynamic stability) indicates that this missense variant is expected to disrupt SCN1A protein function with a positive predictive value of 95%. This variant disrupts the p.Ser1471Phe amino acid residue in SCN1A. Other variant(s) that disrupt this residue have been determined to be pathogenic (internal data). This suggests that this residue is clinically significant, and that variants that disrupt this residue are likely to be disease-causing. For these reasons, this variant has been classified as Pathogenic.

Literature cited by the submitters: PubMed 23195492; PubMed 35074891.